The following is an entry in ClinVar:

NM_006005.3(WFS1):c.95C>T (p.Ser32Leu)

Gene: WFS1 (wolframin ER transmembrane glycoprotein; plus strand). Cytogenetic location: 4p16.1.
Variant type: single nucleotide variant.
Coding change: c.95C>T on transcript NM_006005.3 (MANE Select); coding-DNA position 95, C replaced by T.
Protein change: p.Ser32Leu; replaces serine 32 with leucine.
Molecular consequence: missense variant.
Genome position (GRCh38, 1-based): chr4:6,277,550, C>T. VCF-style: chr4-6277550-C-T. GRCh37 (hg19) VCF-style: chr4-6279277-C-T.
Other names: c.95C>T, p.Ser32Leu (NM_001145853.1); short protein forms S32L.
Identifiers: ClinVar variation 179238 (VCV000179238.22), dbSNP rs727504730, ClinGen allele CA184028.

ClinVar aggregate classification (germline): Uncertain significance/Uncertain risk allele. Review status: criteria provided, multiple submitters, no conflicts (2 of 4 stars). 8 submissions from 7 submitters: Uncertain significance (7); Uncertain risk allele (1). Last evaluated 2024-05-14.

Conditions:
Autosomal dominant nonsyndromic hearing loss 6 (LFSNHL). Also called: DEAFNESS, AUTOSOMAL DOMINANT 14; DEAFNESS, AUTOSOMAL DOMINANT 38; Autosomal dominant nonsyndromic deafness 6; DEAFNESS, AUTOSOMAL DOMINANT 6. Identifiers: Orphanet 90635, MedGen C1833021, MONDO:0010963, OMIM 600965.
Wolfram syndrome 1 (WFS1). Identifiers: Orphanet 3463, MedGen C4551693, MONDO:0009101, OMIM 222300.
WFS1-Related Spectrum Disorders.
Cataract 41 (CTRCT41). Also called: CATARACT 41, CONGENITAL NUCLEAR TYPE. Identifiers: Orphanet 91492, Orphanet 98991, Orphanet 98992, Orphanet 98995, MedGen C3805412, MONDO:0007287, OMIM 116400.
Wolfram-like syndrome. Also called: HEARING LOSS, PROGRESSIVE, WITH OPTIC ATROPHY AND/OR IMPAIRED GLUCOSE REGULATION. Identifiers: Orphanet 411590, MedGen C3280358, MONDO:0013673, OMIM 614296.
Type 2 diabetes mellitus. Also called: Type II diabetes mellitus. Identifiers: MedGen C0011860, MeSH D003924, MONDO:0005148, OMIM 125853, HP:0005978.

Allele frequency attached by ClinVar (database versions not stated): ExAC 0.00003; gnomAD 0.00003; gnomAD exomes 0.00003 and 0.00008; TOPMed 0.00004.
gnomAD v4.1: 113 of 1,590,074 alleles (0.0071%); highest among the groups gnomAD compares: Non-Finnish European, 0.0092%; no homozygotes.

Submissions (8):

Fulgent Genetics
Classification: Uncertain significance for Cataract 41; Type 2 diabetes mellitus; Wolfram syndrome 1; Autosomal dominant nonsyndromic hearing loss 6; Wolfram-like syndrome. Last evaluated: 2024-05-14. Review status: criteria provided, single submitter. Criteria: ACMG Guidelines, 2015. Collection method: clinical testing. Allele origin: germline.

Blueprint Genetics
Classification: Uncertain significance. Last evaluated: 2024-03-01. Review status: criteria provided, single submitter. Criteria: ACMG Guidelines, 2015. Collection method: clinical testing. Allele origin: germline.

Labcorp Genetics (formerly Invitae), Labcorp
Classification: Uncertain significance. Last evaluated: 2023-11-27. Review status: criteria provided, single submitter. Criteria: Invitae Variant Classification Sherloc (09022015). Collection method: clinical testing. Allele origin: germline.
Comment: This sequence change replaces serine, which is neutral and polar, with leucine, which is neutral and non-polar, at codon 32 of the WFS1 protein (p.Ser32Leu). This variant is present in population databases (rs727504730, gnomAD 0.01%). This variant has not been reported in the literature in individuals affected with WFS1-related conditions. ClinVar contains an entry for this variant (Variation ID: 179238). Advanced modeling of protein sequence and biophysical properties (such as structural, functional, and spatial information, amino acid conservation, physicochemical variation, residue mobility, and thermodynamic stability) performed at Invitae indicates that this missense variant is not expected to disrupt WFS1 protein function with a negative predictive value of 95%. In summary, the available evidence is currently insufficient to determine the role of this variant in disease. Therefore, it has been classified as a Variant of Uncertain Significance.

GeneDx
Classification: Uncertain significance. Last evaluated: 2022-05-31. Review status: criteria provided, single submitter. Criteria: GeneDx Variant Classification Process June 2021. Collection method: clinical testing. Allele origin: germline. Affected: yes.
Comment: In silico analysis supports that this missense variant does not alter protein structure/function; Has not been previously published as pathogenic or benign to our knowledge

Illumina Laboratory Services, Illumina
Classification: Uncertain significance for Autosomal dominant nonsyndromic hearing loss 6. Last evaluated: 2018-01-12. Review status: criteria provided, single submitter. Criteria: ICSL Variant Classification Criteria 13 December 2019. Collection method: clinical testing. Allele origin: germline.

Illumina Laboratory Services, Illumina
Classification: Uncertain significance for WFS1-Related Spectrum Disorders. Last evaluated: 2018-01-12. Review status: criteria provided, single submitter. Criteria: ICSL Variant Classification Criteria 13 December 2019. Collection method: clinical testing. Allele origin: germline.

Laboratory for Molecular Medicine, Mass General Brigham Personalized Medicine
Classification: Uncertain significance. Last evaluated: 2013-12-03. Review status: criteria provided, single submitter. Criteria: LMM Criteria. Collection method: clinical testing. Allele origin: germline. Observed: 2 variant alleles.
Comment: Variant classified as Uncertain Significance - Favor Benign. The Ser32Leu varian t in WFS1 has not been reported in individuals with hearing loss. Frequency dat a from large population studies is insufficient. Computational analyses (bioche mical amino acid properties, conservation, AlignGVGD, PolyPhen2, and SIFT) do no t provide strong support for or against an impact to the protein. In summary, th e clinical significance of this variant cannot be determined without additional data.

Clinical Genomics, Uppaluri K&H Personalized Medicine Clinic
Classification: Uncertain risk allele for Wolfram syndrome 1. Review status: criteria provided, single submitter. Criteria: K & H Uppaluri Personalized Medicine Clinic Variant Classification & Assertion Criteria_Updated V.1. Collection method: research. Allele origin: unknown. Inheritance: Autosomal recessive inheritance.
Comment: Potent mutations in WFS1 gene are associated with Wolfram's syndrome, an autosomal recessive condition, which cause diabetes mellitus, diabetes insipidus, deafness and optic atrophy. However no sufficient evidence is found to ascertain the role of this particular variant rs727504730 in Wolfram's syndrome yet.

Literature cited by the submitters: PubMed 20738327 (cited by Clinical Genomics, Uppaluri K&H Personalized Medicine Clinic); PubMed 33879153 (cited by Clinical Genomics, Uppaluri K&H Personalized Medicine Clinic); PubMed 12955714 (cited by Clinical Genomics, Uppaluri K&H Personalized Medicine Clinic); PubMed 18060660 (cited by Clinical Genomics, Uppaluri K&H Personalized Medicine Clinic); PubMed 20301750 (cited by Clinical Genomics, Uppaluri K&H Personalized Medicine Clinic); PubMed 17603484 (cited by Clinical Genomics, Uppaluri K&H Personalized Medicine Clinic).